The following is an entry in ClinVar:

ClinVar aggregate classification (germline): Benign/Likely benign. Review status: criteria provided, multiple submitters, no conflicts (2 of 4 stars). 3 submissions from 3 submitters: Benign (1); Likely benign (2). Last evaluated 2026-04-02.

Conditions:
Inborn genetic diseases. Identifiers: MedGen C0950123, MeSH D030342.

Allele frequency attached by ClinVar (database versions not stated): gnomAD 0.00005; gnomAD exomes 0.00006 and 0.00021; TOPMed 0.00015; ExAC 0.00023.
gnomAD v4.1: 97 of 1,614,044 alleles (0.006%); highest among the groups gnomAD compares: Admixed American, 0.088%; 2 homozygotes.

Submissions (3):

Women's Health and Genetics/Laboratory Corporation of America, LabCorp
Classification: Likely benign. Last evaluated: 2026-04-02. Review status: criteria provided, single submitter. Criteria: LabCorp Variant Classification Summary - May 2015. Collection method: clinical testing. Allele origin: germline.
Comment: Variant summary: NLRP1 c.1541G>T (p.Trp514Leu) results in a non-conservative amino acid change in the encoded protein sequence. Algorithms developed to predict the effect of missense changes on protein structure and function are either unavailable or do not agree on the potential impact of this missense change. The variant allele was found at a frequency of 6.1e-05 in 1461892 control chromosomes, predominantly at a frequency of 0.0012 within the Latino subpopulation in the gnomAD database, including 2 homozygotes. The observed variant frequency within Latino control individuals in the gnomAD database exceeds the estimated maximal expected allele frequency for disease-causing variants in NLRP1. To our knowledge, no occurrence of c.1541G>T in individuals affected with NLRP1-related conditions and no experimental evidence demonstrating its impact on protein function have been reported. ClinVar contains an entry for this variant (Variation ID: 1421396). Based on the evidence outlined above, the variant was classified as likely benign.

Labcorp Genetics (formerly Invitae), Labcorp
Classification: Benign. Last evaluated: 2026-01-01. Review status: criteria provided, single submitter. Criteria: Invitae Variant Classification Sherloc (09022015). Collection method: clinical testing. Allele origin: germline.

Ambry Genetics
Classification: Likely benign for Inborn genetic diseases. Last evaluated: 2024-03-31. Review status: criteria provided, single submitter. Criteria: Ambry Variant Classification Scheme 2023. Collection method: clinical testing. Allele origin: germline.

NM_033004.4(NLRP1):c.1541G>T (p.Trp514Leu)

Gene: NLRP1 (NLR family pyrin domain containing 1; minus strand). Cytogenetic location: 17p13.2.
Variant type: single nucleotide variant.
Coding change: c.1541G>T on transcript NM_033004.4 (MANE Select); coding-DNA position 1541, G replaced by T.
Protein change: p.Trp514Leu; replaces tryptophan 514 with leucine.
Molecular consequence: missense variant.
Genome position (GRCh38, 1-based): chr17:5,559,155, C>A on the plus strand (G>T on the coding strand, the complement: NLRP1 is on the minus strand). VCF-style: chr17-5559155-C-A. GRCh37 (hg19) VCF-style: chr17-5462475-C-A.
Other names: c.1541G>T (NM_033004.3); c.1541G>T, p.Trp514Leu (NM_001033053.3, NM_014922.5, NM_033006.4 and 1 more transcripts); short protein forms W514L.
Identifiers: ClinVar variation 1421396 (VCV001421396.8), dbSNP rs755517635, ClinGen allele CA8327356.